The following is an entry in ClinVar:

ClinVar aggregate classification (germline): Likely pathogenic (1 of 4 stars; one submission).

Submission:

Labcorp Genetics (formerly Invitae), Labcorp
Classification: Likely pathogenic. Last evaluated: 2022-06-03. Review status: criteria provided, single submitter. Criteria: Invitae Variant Classification Sherloc (09022015). Collection method: clinical testing. Allele origin: germline.
Comment: This sequence change affects an acceptor splice site in intron 30 of the COL4A5 gene. It is expected to disrupt RNA splicing. Variants that disrupt the donor or acceptor splice site typically lead to a loss of protein function (PMID: 16199547), and loss-of-function variants in COL4A5 are known to be pathogenic (PMID: 9195222, 10752524, 14514738, 24854265, 26809805). In summary, the currently available evidence indicates that the variant is pathogenic, but additional data are needed to prove that conclusively. Therefore, this variant has been classified as Likely Pathogenic. Algorithms developed to predict the effect of sequence changes on RNA splicing suggest that this variant may disrupt the consensus splice site. ClinVar contains an entry for this variant (Variation ID: 1467363). Disruption of this splice site has been observed in individual(s) with clinical features of Alport syndrome (Invitae). This variant is not present in population databases (gnomAD no frequency).

Literature cited by the submitters: PubMed 16199547; PubMed 9195222; PubMed 10752524; PubMed 14514738; PubMed 24854265; PubMed 26809805.

NM_033380.3(COL4A5):c.2510-1G>A

Gene: COL4A5 (collagen type IV alpha 5 chain; plus strand). Cytogenetic location: Xq22.3.
Variant type: single nucleotide variant.
Coding change: c.2510-1G>A on transcript NM_033380.3 (MANE Select); the canonical splice acceptor site of the intron before coding-DNA position 2510, G replaced by A.
Molecular consequence: splice acceptor variant.
Genome position (GRCh38, 1-based): chrX:108,620,258, G>A. VCF-style: chrX-108620258-G-A. GRCh37 (hg19) VCF-style: chrX-107863488-G-A.
Other names: c.2510-1G>A (NM_000495.5).
Identifiers: ClinVar variation 1467363 (VCV001467363.6), dbSNP rs770451831, ClinGen allele CA10488938.